The following is an entry in ClinVar:

NM_001846.4(COL4A2):c.3749A>T (p.Gln1250Leu)

Gene: COL4A2 (collagen type IV alpha 2 chain; plus strand). Cytogenetic location: 13q34.
Variant type: single nucleotide variant.
Coding change: c.3749A>T on transcript NM_001846.4 (MANE Select); coding-DNA position 3749, A replaced by T.
Protein change: p.Gln1250Leu; replaces glutamine 1250 with leucine.
Molecular consequence: missense variant.
Genome position (GRCh38, 1-based): chr13:110,495,456, A>T. VCF-style: chr13-110495456-A-T. GRCh37 (hg19) VCF-style: chr13-111147803-A-T.
Other names: short protein forms Q1250L.
Identifiers: ClinVar variation 2636334 (VCV002636334.1), dbSNP rs1173195289, ClinGen allele CA388733689.

ClinVar aggregate classification (germline): Uncertain significance (1 of 4 stars; one submission).

Conditions:
COL4A2-related disorder. Also called: COL4A2-related disorders; COL4A2-related condition.

Allele frequency attached by ClinVar (database versions not stated): gnomAD exomes below 0.00001; TOPMed below 0.00001; gnomAD 0.00001.
gnomAD v4.1: 2 of 1,612,622 alleles (0.00012%); highest among the groups gnomAD compares: African/African-American, 0.0027%; no homozygotes.

Submission:

PreventionGenetics, part of Exact Sciences
Classification: Uncertain significance for COL4A2-related condition. Last evaluated: 2022-09-02. Review status: criteria provided, single submitter. Criteria: ACMG Guidelines, 2015. Collection method: clinical testing. Allele origin: germline.
Comment: The COL4A2 c.3749A>T variant is predicted to result in the amino acid substitution p.Gln1250Leu. To our knowledge, this variant has not been reported in the literature or in a large population database, indicating this variant is rare. At this time, the clinical significance of this variant is uncertain due to the absence of conclusive functional and genetic evidence.